The following is an entry in ClinVar:

ClinVar aggregate classification (germline): Uncertain significance. Review status: criteria provided, multiple submitters, no conflicts (2 of 4 stars). 2 submissions from 2 submitters: Uncertain significance (2). Last evaluated 2024-10-13.

Conditions:
Inborn genetic diseases. Identifiers: MedGen C0950123, MeSH D030342.

Allele frequency attached by ClinVar (database versions not stated): gnomAD 0.00001; ESP Exome Variant Server 0.00015.
gnomAD v4.1: 65 of 1,614,030 alleles (0.004%); highest among the groups gnomAD compares: Non-Finnish European, 0.0055%; no homozygotes.

Submissions (2):

Labcorp Genetics (formerly Invitae), Labcorp
Classification: Uncertain significance. Last evaluated: 2024-10-13. Review status: criteria provided, single submitter. Criteria: Invitae Variant Classification Sherloc (09022015). Collection method: clinical testing. Allele origin: germline.
Comment: This sequence change replaces tyrosine, which is neutral and polar, with serine, which is neutral and polar, at codon 660 of the SPTB protein (p.Tyr660Ser). This variant is present in population databases (rs375659876, gnomAD 0.006%). This variant has not been reported in the literature in individuals affected with SPTB-related conditions. ClinVar contains an entry for this variant (Variation ID: 2384541). An algorithm developed to predict the effect of missense changes on protein structure and function (PolyPhen-2) suggests that this variant is likely to be disruptive. In summary, the available evidence is currently insufficient to determine the role of this variant in disease. Therefore, it has been classified as a Variant of Uncertain Significance.

Ambry Genetics
Classification: Uncertain significance for Inborn genetic diseases. Last evaluated: 2022-11-03. Review status: criteria provided, single submitter. Criteria: Ambry Variant Classification Scheme 2023. Collection method: clinical testing. Allele origin: germline.

NM_001355436.2(SPTB):c.1979A>C (p.Tyr660Ser)

Gene: SPTB (spectrin beta, erythrocytic; minus strand). Cytogenetic location: 14q23.3.
Variant type: single nucleotide variant.
Coding change: c.1979A>C on transcript NM_001355436.2 (MANE Select); coding-DNA position 1979, A replaced by C.
Protein change: p.Tyr660Ser; replaces tyrosine 660 with serine.
Molecular consequence: missense variant.
Genome position (GRCh38, 1-based): chr14:64,793,684, T>G on the plus strand (A>C on the coding strand, the complement: SPTB is on the minus strand). VCF-style: chr14-64793684-T-G. GRCh37 (hg19) VCF-style: chr14-65260402-T-G.
Other names: NM_000347.5:c.1979A>C; c.1979A>C, p.Tyr660Ser (NM_001024858.4, NM_001355437.2); short protein forms Y660S.
Identifiers: ClinVar variation 2384541 (VCV002384541.5), dbSNP rs375659876, ClinGen allele CA7230972.
Genomic context (GRCh38, chr14:64,793,684, plus strand): 5'-TTGTGCTTGCGCTGTAAGATGAGCACACTGGTCAGGTCTTTGCCATAGTCCAGGGAAGAA[T>G]AGATCTGCTCCTTCTCCTTGATCCAGCTCTCAGCCTCATCCATCTCCCAGAAGAACTTCC-3'
Protein context (NP_001342365.1, residues 650-670): ESWIKEKEQI[Tyr660Ser]SSLDYGKDLT